The following is an entry in ClinVar:

NM_001261826.3(AP3D1):c.1955_1956inv (p.Arg652His)

Gene: AP3D1 (adaptor related protein complex 3 subunit delta 1; minus strand). Cytogenetic location: 19p13.3.
Variant type: Inversion.
Coding change: c.1955_1956inv on transcript NM_001261826.3 (MANE Select).
Protein change: p.Arg652His; replaces arginine 652 with histidine.
Molecular consequence: missense variant.
Genome position: GRCh38 VCF-style: chr19-2116650-AC-GT. GRCh37 (hg19) VCF-style: chr19-2116649-AC-GT.
Other names: c.1955_1956inv, p.Arg652His (NM_001374799.1, NM_003938.8); short protein forms R652H.
Identifiers: ClinVar variation 4699581 (VCV004699581.1).

ClinVar aggregate classification (germline): Uncertain significance (1 of 4 stars; one submission).

Submission:

Labcorp Genetics (formerly Invitae), Labcorp
Classification: Uncertain significance. Last evaluated: 2025-11-19. Review status: criteria provided, single submitter. Criteria: Invitae Variant Classification Sherloc (09022015). Collection method: clinical testing. Allele origin: germline.
Comment: This sequence change replaces arginine, which is basic and polar, with histidine, which is basic and polar, at codon 652 of the AP3D1 protein (p.Arg652His). Information on the frequency of this variant in the gnomAD database is not available, as this variant may be reported differently in the database. This variant has not been reported in the literature in individuals affected with AP3D1-related conditions. An algorithm developed to predict the effect of missense changes on protein structure and function (PolyPhen-2) suggests that this variant is likely to be tolerated. In summary, the available evidence is currently insufficient to determine the role of this variant in disease. Therefore, it has been classified as a Variant of Uncertain Significance.